The following is an entry in ClinVar:

ClinVar aggregate classification (germline): Uncertain significance. Review status: criteria provided, multiple submitters, no conflicts (2 of 4 stars). 2 submissions from 2 submitters: Uncertain significance (2). Last evaluated 2025-03-13.

Conditions:
Hereditary pancreatitis (PCTT). Also called: Hereditary chronic pancreatitis; PRSS1-Related Hereditary Pancreatitis. Identifiers: Orphanet 676, MedGen C0238339, MONDO:0008185, OMIM 167800.

Allele frequency attached by ClinVar (database versions not stated): TOPMed below 0.00001; gnomAD 0.00001; gnomAD exomes 0.00002.

Submissions (2):

Ambry Genetics
Classification: Uncertain significance for Hereditary pancreatitis. Last evaluated: 2025-03-13. Review status: criteria provided, single submitter. Criteria: Ambry Variant Classification Scheme 2023. Collection method: clinical testing. Allele origin: germline.
Comment: The c.592-1G>C intronic variant results from a G to C substitution one nucleotide before coding exon 5 of the PRSS1 gene. This nucleotide position is highly conserved in available vertebrate species. In silico splice site analysis predicts that this alteration will weaken the native splice acceptor site and will result in the creation or strengthening of a novel splice acceptor site. This alteration occurs at the 3' terminus of the PRSS1 gene, is not expected to trigger nonsense-mediated mRNA decay, and impacts the last 20% of the protein. The exact functional effect of this alteration is unknown and loss of function of PRSS1 has not been established as a mechanism of disease. Based on the available evidence, the clinical significance of this variant remains unclear.

Labcorp Genetics (formerly Invitae), Labcorp
Classification: Uncertain significance for Hereditary pancreatitis. Last evaluated: 2024-06-10. Review status: criteria provided, single submitter. Criteria: Invitae Variant Classification Sherloc (09022015). Collection method: clinical testing. Allele origin: germline.
Comment: This sequence change falls in intron 4 of the PRSS1 gene. It does not directly change the encoded amino acid sequence of the PRSS1 protein. It affects a nucleotide within the consensus splice site. The frequency data for this variant in the population databases is considered unreliable, as metrics indicate poor data quality at this position in the gnomAD database. This variant has not been reported in the literature in individuals affected with PRSS1-related conditions. ClinVar contains an entry for this variant (Variation ID: 1750518). Variants that disrupt the consensus splice site are a relatively common cause of aberrant splicing (PMID: 17576681, 9536098). Algorithms developed to predict the effect of sequence changes on RNA splicing suggest that this variant may disrupt the consensus splice site. In summary, the available evidence is currently insufficient to determine the role of this variant in disease. Therefore, it has been classified as a Variant of Uncertain Significance.

Literature cited by the submitters: PubMed 17576681 (cited by Labcorp Genetics (formerly Invitae), Labcorp); PubMed 9536098 (cited by Labcorp Genetics (formerly Invitae), Labcorp).

NM_002769.5(PRSS1):c.592-1G>C

Genes: PRSS1 (serine protease 1; plus strand), TRB (T cell receptor beta locus; plus strand). Cytogenetic location: 7q34.
Variant type: single nucleotide variant.
Coding change: c.592-1G>C on transcript NM_002769.5 (MANE Select); the canonical splice acceptor site of the intron before coding-DNA position 592, G replaced by C.
Molecular consequence: splice acceptor variant.
Genome position (GRCh38, 1-based): chr7:142,752,867, G>C. VCF-style: chr7-142752867-G-C. GRCh37 (hg19) VCF-style: chr7-142460718-G-C.
Identifiers: ClinVar variation 1750518 (VCV001750518.5), dbSNP rs1311045362, ClinGen allele CA369610559.